The following is an entry in ClinVar:

NM_000290.4(PGAM2):c.485G>A (p.Arg162Gln)

Genes: DBNL (drebrin like; plus strand), PGAM2 (phosphoglycerate mutase 2; minus strand), LOC129998341 (ATAC-STARR-seq lymphoblastoid active region 25924; plus strand). Cytogenetic location: 7p13.
Variant type: single nucleotide variant.
Coding change: c.485G>A on transcript NM_000290.4 (MANE Select); coding-DNA position 485, G replaced by A.
Protein change: p.Arg162Gln; replaces arginine 162 with glutamine.
Molecular consequence: missense variant. On other transcripts: 3 prime UTR variant (6).
Genome position (GRCh38, 1-based): chr7:44,064,942, C>T on the plus strand (G>A on the coding strand, the complement: PGAM2 is on the minus strand). VCF-style: chr7-44064942-C-T. GRCh37 (hg19) VCF-style: chr7-44104541-C-T.
Other names: c.*4026C>T (NM_001014436.3, NM_001122956.2, NM_001284313.2 and 3 more transcripts); short protein forms R162Q.
Identifiers: ClinVar variation 2140958 (VCV002140958.3), dbSNP rs138954968, ClinGen allele CA4236556.

ClinVar aggregate classification (germline): Uncertain significance. Review status: criteria provided, multiple submitters, no conflicts (2 of 4 stars). 2 submissions from 2 submitters: Uncertain significance (2). Last evaluated 2025-09-09.

Conditions:
Glycogen storage disease type X (GSD10). Also called: GSD X; MYOPATHY DUE TO PHOSPHOGLYCERATE MUTASE DEFICIENCY; PGAMM DEFICIENCY; PHOSPHOGLYCERATE MUTASE, MUSCLE, DEFICIENCY OF; Glycogen storage disease due to phosphoglycerate mutase deficiency; Dimauro disease. Identifiers: Orphanet 97234, MedGen C0268149, MONDO:0009865, OMIM 261670.
Inborn genetic diseases. Identifiers: MedGen C0950123, MeSH D030342.

Allele frequency attached by ClinVar (database versions not stated): ExAC 0.00003; ESP Exome Variant Server 0.00008.
gnomAD v4.1: 21 of 1,609,662 alleles (0.0013%); highest among the groups gnomAD compares: Middle Eastern, 0.016%; no homozygotes.

Submissions (2):

Ambry Genetics
Classification: Uncertain significance for Inborn genetic diseases. Last evaluated: 2025-09-09. Review status: criteria provided, single submitter. Criteria: Ambry Variant Classification Scheme 2023. Collection method: clinical testing. Allele origin: germline.

Labcorp Genetics (formerly Invitae), Labcorp
Classification: Uncertain significance for Glycogen storage disease type X. Last evaluated: 2022-09-30. Review status: criteria provided, single submitter. Criteria: Invitae Variant Classification Sherloc (09022015). Collection method: clinical testing. Allele origin: germline.
Comment: This sequence change replaces arginine, which is basic and polar, with glutamine, which is neutral and polar, at codon 162 of the PGAM2 protein (p.Arg162Gln). This variant is present in population databases (rs138954968, gnomAD 0.007%). This variant has not been reported in the literature in individuals affected with PGAM2-related conditions. Advanced modeling of protein sequence and biophysical properties (such as structural, functional, and spatial information, amino acid conservation, physicochemical variation, residue mobility, and thermodynamic stability) performed at Invitae indicates that this missense variant is expected to disrupt PGAM2 protein function. In summary, the available evidence is currently insufficient to determine the role of this variant in disease. Therefore, it has been classified as a Variant of Uncertain Significance.